The following is an entry in ClinVar:

NM_003179.3(SYP):c.754G>A (p.Asp252Asn)

Gene: SYP (synaptophysin; minus strand). Cytogenetic location: Xp11.23.
Variant type: single nucleotide variant.
Coding change: c.754G>A on transcript NM_003179.3 (MANE Select); coding-DNA position 754, G replaced by A.
Protein change: p.Asp252Asn; replaces aspartic acid 252 with asparagine.
Molecular consequence: missense variant.
Genome position (GRCh38, 1-based): chrX:49,191,625, C>T on the plus strand (G>A on the coding strand, the complement: SYP is on the minus strand). VCF-style: chrX-49191625-C-T. GRCh37 (hg19) VCF-style: chrX-49048082-C-T.
Other names: short protein forms D252N.
Identifiers: ClinVar variation 4538364 (VCV004538364.1).

ClinVar aggregate classification (germline): Uncertain significance (1 of 4 stars; one submission).

gnomAD v4.1: 4 of 1,206,474 alleles (0.00033%); highest among the groups gnomAD compares: African/African-American, 0.0035%; no homozygotes.

Submission:

Greenwood Genetic Center Diagnostic Laboratories, Greenwood Genetic Center
Classification: Uncertain significance. Last evaluated: 2025-04-15. Review status: criteria provided, single submitter. Criteria: ACMG Guidelines, 2015. Collection method: clinical testing. Allele origin: germline. Affected: yes.
Comment: Gene of Uncertain Significance